The following is an entry in ClinVar:

NM_001270508.2(TNFAIP3):c.1297A>G (p.Met433Val)

Gene: TNFAIP3 (TNF alpha induced protein 3; plus strand). Cytogenetic location: 6q23.3.
Variant type: single nucleotide variant.
Coding change: c.1297A>G on transcript NM_001270508.2 (MANE Select); coding-DNA position 1297, A replaced by G.
Protein change: p.Met433Val; replaces methionine 433 with valine.
Molecular consequence: missense variant.
Genome position (GRCh38, 1-based): chr6:137,878,742, A>G. VCF-style: chr6-137878742-A-G. GRCh37 (hg19) VCF-style: chr6-138199879-A-G.
Other names: c.1297A>G, p.Met433Val (NM_001270507.2, NM_006290.4); short protein forms M433V.
Identifiers: ClinVar variation 4707005 (VCV004707005.2).
Genomic context (GRCh38, chr6:137,878,742, plus strand): 5'-AAGAATCAAAACAAACTCCCAAAGCTGAACTCCAAGCCGGGCCCTGAGGGGCTCCCTGGC[A>G]TGGCGCTCGGGGCCTCTCGGGGAGAAGCCTATGAGCCCTTGGCGTGGAACCCTGAGGAGT-3'
Protein context (NP_001257437.1, residues 423-443): SKPGPEGLPG[Met433Val]ALGASRGEAY

ClinVar aggregate classification (germline): Conflicting classifications of pathogenicity. Review status: criteria provided, conflicting classifications (1 of 4 stars). 2 submissions from 2 submitters: Uncertain significance (1); Likely benign (1). Last evaluated 2025-12-22.

gnomAD v4.1: 8 of 1,613,936 alleles (0.0005%); highest among the groups gnomAD compares: Non-Finnish European, 0.00068%; no homozygotes.

Submissions (2):

Labcorp Genetics (formerly Invitae), Labcorp
Classification: Uncertain significance. Last evaluated: 2025-12-22. Review status: criteria provided, single submitter. Criteria: Invitae Variant Classification Sherloc (09022015). Collection method: clinical testing. Allele origin: germline.
Comment: This sequence change replaces methionine, which is neutral and non-polar, with valine, which is neutral and non-polar, at codon 433 of the TNFAIP3 protein (p.Met433Val). This variant is present in population databases (no rsID available, gnomAD 0.0009%). This variant has not been reported in the literature in individuals affected with TNFAIP3-related conditions. Invitae Evidence Modeling of protein sequence and biophysical properties (such as structural, functional, and spatial information, amino acid conservation, physicochemical variation, residue mobility, and thermodynamic stability) indicates that this missense variant is not expected to disrupt TNFAIP3 protein function with a negative predictive value of 80%. In summary, the available evidence is currently insufficient to determine the role of this variant in disease. Therefore, it has been classified as a Variant of Uncertain Significance.

Blueprint Genetics
Classification: Likely benign. Last evaluated: 2022-06-13. Review status: criteria provided, single submitter. Criteria: ACMG Guidelines, 2015. Collection method: clinical testing. Allele origin: germline.